The following is an entry in ClinVar:

NM_000245.4(MET):c.988G>T (p.Ala330Ser)

Gene: MET (MET proto-oncogene, receptor tyrosine kinase; plus strand). Cytogenetic location: 7q31.2.
Variant type: single nucleotide variant.
Coding change: c.988G>T on transcript NM_000245.4 (MANE Select); coding-DNA position 988, G replaced by T.
Protein change: p.Ala330Ser; replaces alanine 330 with serine.
Molecular consequence: missense variant. On other transcripts: intron variant (1).
Genome position (GRCh38, 1-based): chr7:116,700,072, G>T. VCF-style: chr7-116700072-G-T. GRCh37 (hg19) VCF-style: chr7-116340126-G-T.
Other names: c.988G>T, p.Ala330Ser (NM_001127500.3, NM_001324401.3); c.-91+27495G>T (NM_001324402.2); short protein forms A330S.
Identifiers: ClinVar variation 2443396 (VCV002443396.3), dbSNP rs1791512125, ClinGen allele CA368970295.

ClinVar aggregate classification (germline): Uncertain significance. Review status: criteria provided, multiple submitters, no conflicts (2 of 4 stars). 2 submissions from 2 submitters: Uncertain significance (2). Last evaluated 2024-12-10.

Conditions:
Renal cell carcinoma. Identifiers: Orphanet 217071, MedGen C0007134, MeSH D002292, MONDO:0005086, HP:0005584.

Allele frequency attached by ClinVar (database versions not stated): gnomAD 0.00001.
gnomAD v4.1: 1 of 1,613,078 alleles (0.000062%); highest among the groups gnomAD compares: Non-Finnish European, 0.000085%; no homozygotes.

Submissions (2):

Labcorp Genetics (formerly Invitae), Labcorp
Classification: Uncertain significance for Renal cell carcinoma. Last evaluated: 2024-12-10. Review status: criteria provided, single submitter. Criteria: Invitae Variant Classification Sherloc (09022015). Collection method: clinical testing. Allele origin: germline.
Comment: This sequence change replaces alanine, which is neutral and non-polar, with serine, which is neutral and polar, at codon 330 of the MET protein (p.Ala330Ser). This variant is not present in population databases (gnomAD no frequency). This variant has not been reported in the literature in individuals affected with MET-related conditions. ClinVar contains an entry for this variant (Variation ID: 2443396). Invitae Evidence Modeling of protein sequence and biophysical properties (such as structural, functional, and spatial information, amino acid conservation, physicochemical variation, residue mobility, and thermodynamic stability) indicates that this missense variant is expected to disrupt MET protein function with a positive predictive value of 80%. In summary, the available evidence is currently insufficient to determine the role of this variant in disease. Therefore, it has been classified as a Variant of Uncertain Significance.

GeneDx
Classification: Uncertain significance. Last evaluated: 2022-09-09. Review status: criteria provided, single submitter. Criteria: GeneDx Variant Classification Process June 2021. Collection method: clinical testing. Allele origin: germline. Affected: yes.
Comment: Not observed at significant frequency in large population cohorts (gnomAD); In silico analysis supports that this missense variant does not alter protein structure/function; Has not been previously published as pathogenic or benign to our knowledge